The following is an entry in ClinVar:

ClinVar aggregate classification (germline): Uncertain significance. Review status: criteria provided, multiple submitters, no conflicts (2 of 4 stars). 4 submissions from 4 submitters: Uncertain significance (4). Last evaluated 2025-12-28.

Conditions:
Epidermolysis bullosa simplex 5B, with muscular dystrophy (EBS5B). Also called: Epidermolysis bullosa simplex with muscular dystrophy; EPIDERMOLYSIS BULLOSA SIMPLEX AND LIMB-GIRDLE MUSCULAR DYSTROPHY. Identifiers: Orphanet 257, MedGen C2931072, MONDO:0009181, OMIM 226670.
Autosomal recessive limb-girdle muscular dystrophy type 2Q (LGMDR17). Also called: MUSCULAR DYSTROPHY, LIMB-GIRDLE, AUTOSOMAL RECESSIVE 17. Identifiers: Orphanet 254361, MedGen C3150989, MONDO:0013390, OMIM 613723.
Epidermolysis bullosa simplex 5C, with pyloric atresia (EBS5C). Also called: PLEC-Related Epidermolysis Bullosa with Pyloric Atresia; PLEC1-Related Epidermolysis Bullosa with Pyloric Atresia; Epidermolysis bullosa simplex with pyloric atresia. Identifiers: Orphanet 158684, MedGen C2677349, MONDO:0012807, OMIM 612138.
Epidermolysis bullosa simplex, Ogna type (EBS5A). Also called: Pidermolysis bullosa simplex 5A, Ogna type; EPIDERMOLYSIS BULLOSA SIMPLEX 5A, OGNA TYPE. Identifiers: Orphanet 79401, MedGen C0432317, MONDO:0007555, OMIM 131950.
Epidermolysis bullosa simplex with nail dystrophy (EBS5D). Identifiers: MedGen C4225309, MONDO:0014661, OMIM 616487.
Inborn genetic diseases. Identifiers: MedGen C0950123, MeSH D030342.
PLEC-related disorder. Also called: PLEC-related condition; PLEC-related disorders.

Allele frequency attached by ClinVar (database versions not stated): ExAC 0.00001; gnomAD 0.00001; gnomAD exomes 0.00002; TOPMed 0.00003.
gnomAD v4.1: 31 of 1,612,336 alleles (0.0019%); highest among the groups gnomAD compares: Middle Eastern, 0.066%; no homozygotes.

Submissions (4):

Labcorp Genetics (formerly Invitae), Labcorp
Classification: Uncertain significance for Autosomal recessive limb-girdle muscular dystrophy type 2Q; Epidermolysis bullosa simplex, Ogna type; Epidermolysis bullosa simplex with nail dystrophy; Epidermolysis bullosa simplex 5C, with pyloric atresia; Epidermolysis bullosa simplex 5B, with muscular dystrophy. Last evaluated: 2025-12-28. Review status: criteria provided, single submitter. Criteria: Invitae Variant Classification Sherloc (09022015). Collection method: clinical testing. Allele origin: germline.
Comment: This sequence change replaces arginine, which is basic and polar, with glutamine, which is neutral and polar, at codon 138 of the PLEC protein (p.Arg138Gln). This variant is present in population databases (rs782755539, gnomAD 0.004%). This variant has not been reported in the literature in individuals affected with PLEC-related conditions. ClinVar contains an entry for this variant (Variation ID: 653439). Invitae Evidence Modeling of protein sequence and biophysical properties (such as structural, functional, and spatial information, amino acid conservation, physicochemical variation, residue mobility, and thermodynamic stability) indicates that this missense variant is not expected to disrupt PLEC protein function with a negative predictive value of 80%. In summary, the available evidence is currently insufficient to determine the role of this variant in disease. Therefore, it has been classified as a Variant of Uncertain Significance.

PreventionGenetics, part of Exact Sciences
Classification: Uncertain significance for PLEC-related condition. Last evaluated: 2025-01-04. Review status: criteria provided, single submitter. Criteria: ACMG Guidelines, 2015. Collection method: clinical testing. Allele origin: germline.
Comment: The PLEC c.413G>A variant is predicted to result in the amino acid substitution p.Arg138Gln. To our knowledge, this variant has not been reported in the literature. This variant is reported in 0.0036% of alleles in individuals of European (Non-Finnish) descent in gnomAD. At this time, the clinical significance of this variant is uncertain due to the absence of conclusive functional and genetic evidence.

Ambry Genetics
Classification: Uncertain significance for Inborn genetic diseases. Last evaluated: 2022-05-25. Review status: criteria provided, single submitter. Criteria: Ambry Variant Classification Scheme 2023. Collection method: clinical testing. Allele origin: germline.

Revvity Omics, Revvity
Classification: Uncertain significance. Last evaluated: 2019-03-12. Review status: criteria provided, single submitter. Criteria: ACMG Guidelines, 2015. Collection method: clinical testing. Allele origin: germline.

NM_201384.3(PLEC):c.332G>A (p.Arg111Gln)

Gene: PLEC (plectin; minus strand). Cytogenetic location: 8q24.3.
Variant type: single nucleotide variant.
Coding change: c.332G>A on transcript NM_201384.3 (MANE Select); coding-DNA position 332, G replaced by A.
Protein change: p.Arg111Gln; replaces arginine 111 with glutamine.
Molecular consequence: missense variant.
Genome position (GRCh38, 1-based): chr8:143,937,175, C>T on the plus strand (G>A on the coding strand, the complement: PLEC is on the minus strand). VCF-style: chr8-143937175-C-T. GRCh37 (hg19) VCF-style: chr8-145011343-C-T.
Other names: c.413G>A (NM_000445.3); c.413G>A, p.Arg138Gln (NM_000445.5); c.290G>A, p.Arg97Gln (NM_201378.4); c.266G>A, p.Arg89Gln (NM_201379.3); c.743G>A, p.Arg248Gln (NM_201380.4); c.236G>A, p.Arg79Gln (NM_201381.3); c.332G>A, p.Arg111Gln (NM_201382.4); c.344G>A, p.Arg115Gln (NM_201383.3); short protein forms R79Q, R89Q, R97Q, R111Q, R115Q, R138Q, R248Q.
Identifiers: ClinVar variation 653439 (VCV000653439.10), dbSNP rs782755539, ClinGen allele CA4928495.
Genomic context (GRCh38, chr8:143,937,175, plus strand): 5'-GGCTTGGTGAGGGGTCTGGGTGGGGCCCAGGGCCTGCCGGGCAGCCTTACCTGGCGGTGC[C>T]GGAGGTAGTCCAGGGCAATCTGGACATTCTGCAGCTTGTGGAAACGCATCCTCCCCTTCT-3'
Protein context (NP_958786.1, residues 101-121): QNVQIALDYL[Arg111Gln]HRQVKLVNIR